The following is an entry in ClinVar:

NM_014159.7(SETD2):c.1627T>C (p.Ser543Pro)

Gene: SETD2 (SET domain containing 2, histone lysine methyltransferase; minus strand). Cytogenetic location: 3p21.31.
Variant type: single nucleotide variant.
Coding change: c.1627T>C on transcript NM_014159.7 (MANE Select); coding-DNA position 1627, T replaced by C.
Protein change: p.Ser543Pro; replaces serine 543 with proline.
Molecular consequence: missense variant. On other transcripts: non-coding transcript variant (1).
Genome position (GRCh38, 1-based): chr3:47,123,009, A>G on the plus strand (T>C on the coding strand, the complement: SETD2 is on the minus strand). VCF-style: chr3-47123009-A-G. GRCh37 (hg19) VCF-style: chr3-47164499-A-G.
Other names: c.1495T>C, p.Ser499Pro (NM_001349370.3); short protein forms S499P, S543P.
Identifiers: ClinVar variation 4532762 (VCV004532762.1).

ClinVar aggregate classification (germline): Uncertain significance (1 of 4 stars; one submission).

Submission:

GeneDx
Classification: Uncertain significance. Last evaluated: 2025-05-30. Review status: criteria provided, single submitter. Criteria: GeneDx Variant Classification Process June 2021. Collection method: clinical testing. Allele origin: germline. Affected: yes.
Comment: Not observed at significant frequency in large population cohorts (gnomAD); In silico analysis supports that this missense variant has a deleterious effect on protein structure/function; Has not been previously published as pathogenic or benign to our knowledge